The following is an entry in ClinVar:

NM_020041.3(SLC2A9):c.213C>T (p.Tyr71=)

Genes: SLC2A9 (solute carrier family 2 member 9; minus strand), LOC124900664 (uncharacterized LOC124900664; plus strand). Cytogenetic location: 4p16.1.
Variant type: single nucleotide variant.
Coding change: c.213C>T on transcript NM_020041.3 (MANE Select); coding-DNA position 213, C replaced by T.
Protein change: p.Tyr71=; no amino-acid change (tyrosine 71 retained).
Molecular consequence: synonymous variant.
Genome position (GRCh38, 1-based): chr4:10,019,011, G>A on the plus strand (C>T on the coding strand, the complement: SLC2A9 is on the minus strand). VCF-style: chr4-10019011-G-A. GRCh37 (hg19) VCF-style: chr4-10020635-G-A.
Other names: c.126C>T, p.Tyr42= (NM_001001290.2).
Identifiers: ClinVar variation 3053193 (VCV003053193.2), dbSNP rs776747411, ClinGen allele CA2857320.
Genomic context (GRCh38, chr4:10,019,011, plus strand): 5'-TGCCGGGCCTTGGCGCGCACTCACCGGGGTGGGGGCATTCACCACCGACAGGTTGTAGCC[G>A]TAGAGGAAGGAGGAGCCGAAGGCGCCCGCGAGGGAGGCCACGAGGAGCGAGCAGGACCAG-3'
Protein context (NP_064425.2, residues 61-81): LAGAFGSSFL[Tyr71=]GYNLSVVNAP

ClinVar aggregate classification (germline): Likely benign (0 of 4 stars; one submission).

Conditions:
SLC2A9-related disorder. Also called: SLC2A9-related condition.

Allele frequency attached by ClinVar (database versions not stated): ExAC 0.00005.
gnomAD v4.1: 6 of 1,550,776 alleles (0.00039%); highest among the groups gnomAD compares: South Asian, 0.0024%; no homozygotes.

Submission:

PreventionGenetics, part of Exact Sciences
Classification: Likely benign for SLC2A9-related condition. Last evaluated: 2019-09-04. Review status: no assertion criteria provided. Collection method: clinical testing. Allele origin: germline.
Comment: This variant is classified as likely benign based on ACMG/AMP sequence variant interpretation guidelines (Richards et al. 2015 PMID: 25741868, with internal and published modifications).